The following is an entry in ClinVar:

NM_003873.7(NRP1):c.733A>G (p.Met245Val)

Gene: NRP1 (neuropilin 1; minus strand). Cytogenetic location: 10p11.22.
Variant type: single nucleotide variant.
Coding change: c.733A>G on transcript NM_003873.7 (MANE Select); coding-DNA position 733, A replaced by G.
Protein change: p.Met245Val; replaces methionine 245 with valine.
Molecular consequence: missense variant. On other transcripts: non-coding transcript variant (1).
Genome position (GRCh38, 1-based): chr10:33,256,397, T>C on the plus strand (A>G on the coding strand, the complement: NRP1 is on the minus strand). VCF-style: chr10-33256397-T-C. GRCh37 (hg19) VCF-style: chr10-33545325-T-C.
Other names: c.733A>G, p.Met245Val (NM_001024628.3, NM_001024629.3, NM_001244972.2 and 2 more transcripts); short protein forms M245V.
Identifiers: ClinVar variation 3202193 (VCV003202193.3), dbSNP rs375021532, ClinGen allele CA5466880.

ClinVar aggregate classification (germline): Uncertain significance. Review status: criteria provided, multiple submitters, no conflicts (2 of 4 stars). 2 submissions from 2 submitters: Uncertain significance (2). Last evaluated 2026-06-02.

Conditions:
NRP1-related disorder. Also called: NRP1-related condition.

Allele frequency attached by ClinVar (database versions not stated): gnomAD exomes below 0.00001; ExAC 0.00001; gnomAD 0.00001; TOPMed 0.00002; ESP Exome Variant Server 0.00008.
gnomAD v4.1: 5 of 1,614,076 alleles (0.00031%); highest among the groups gnomAD compares: African/African-American, 0.0027%; no homozygotes.

Submissions (2):

PreventionGenetics, part of Exact Sciences
Classification: Uncertain significance for NRP1-related condition. Last evaluated: 2026-06-02. Review status: criteria provided, single submitter. Criteria: ACMG Guidelines, 2015. Collection method: clinical testing. Allele origin: germline.
Comment: The NRP1 c.733A>G variant is predicted to result in the amino acid substitution p.Met245Val. To our knowledge, this variant has not been reported in the literature. This variant is reported in 0.012% of alleles in individuals of African descent in gnomAD. At this time, the clinical significance of this variant is uncertain due to the absence of conclusive functional and genetic evidence.

Ambry Genetics
Classification: Uncertain significance. Last evaluated: 2023-12-22. Review status: criteria provided, single submitter. Criteria: Ambry Variant Classification Scheme 2023. Collection method: clinical testing. Allele origin: germline.